The following is an entry in ClinVar:

ClinVar aggregate classification (germline): Uncertain significance (1 of 4 stars; one submission).

Conditions:
OFD1-related disorder. Also called: OFD1-related condition.

gnomAD v4.1: 1 of 1,200,129 alleles (0.000083%); highest among the groups gnomAD compares: Non-Finnish European, 0.00011%; no homozygotes.

Submission:

PreventionGenetics, part of Exact Sciences
Classification: Uncertain significance for OFD1-related condition. Last evaluated: 2026-09-21. Review status: criteria provided, single submitter. Criteria: ACMG Guidelines, 2015. Collection method: clinical testing. Allele origin: germline.
Comment: The OFD1 c.1304G>A variant is predicted to result in the amino acid substitution p.Ser435Asn. To our knowledge, this variant has not been reported in the literature. This variant is reported in 0.0012% of alleles in individuals of European (Non-Finnish) descent in gnomAD. At this time, the clinical significance of this variant is uncertain due to the absence of conclusive functional and genetic evidence.

NM_003611.3(OFD1):c.1304G>A (p.Ser435Asn)

Gene: OFD1 (OFD1 centriole and centriolar satellite protein; plus strand). Cytogenetic location: Xp22.2.
Variant type: single nucleotide variant.
Coding change: c.1304G>A on transcript NM_003611.3 (MANE Select); coding-DNA position 1304, G replaced by A.
Protein change: p.Ser435Asn; replaces serine 435 with asparagine.
Molecular consequence: missense variant.
Genome position (GRCh38, 1-based): chrX:13,756,660, G>A. VCF-style: chrX-13756660-G-A. GRCh37 (hg19) VCF-style: chrX-13774779-G-A.
Other names: c.1184G>A, p.Ser395Asn (NM_001330209.2, NM_001440948.1); c.884G>A, p.Ser295Asn (NM_001330210.2); c.1304G>A, p.Ser435Asn (NM_001440947.1); short protein forms S295N, S395N, S435N.
Identifiers: ClinVar variation 4993120 (VCV004993120.1).